The following is an entry in ClinVar:

ClinVar aggregate classification (germline): Uncertain significance (1 of 4 stars; one submission).

Submission:

GeneDx
Classification: Uncertain significance. Last evaluated: 2016-05-12. Review status: criteria provided, single submitter. Criteria: GeneDx Variant Classification (06012015). Collection method: clinical testing. Allele origin: germline. Affected: yes.
Comment: This variant is denoted FANCC c.1492G>A at the cDNA level, p.Ala498Thr (A498T) at the protein level, and results in the change of an Alanine to a Threonine (GCT>ACT). This variant has not, to our knowledge, been published in the literature as pathogenic or benign. FANCC Ala498Thr was not observed in approximately 6,500 individuals of European and African American ancestry in the NHLBI Exome Sequencing Project, suggesting it is not a common benign variant in these populations. Since Alanine and Threonine differ in polarity, charge, size or other properties, this is considered a non-conservative amino acid substitution. FANCC Ala498Thr occurs at a position that is not conserved and is not located in a known functional domain (Gordon 2000). In silico analyses predict that this variant is unlikely to alter protein structure or function. Based on currently available evidence, it is unclear whether FANCC Ala498Thr is a pathogenic or benign variant. We consider it to be a variant of uncertain significance.

NM_000136.3(FANCC):c.1492G>A (p.Ala498Thr)

Genes: AOPEP (aminopeptidase O (putative); plus strand), FANCC (FA complementation group C; minus strand). Cytogenetic location: 9q22.32.
Variant type: single nucleotide variant.
Coding change: c.1492G>A on transcript NM_000136.3 (MANE Select); coding-DNA position 1492, G replaced by A.
Protein change: p.Ala498Thr; replaces alanine 498 with threonine.
Molecular consequence: missense variant.
Genome position (GRCh38, 1-based): chr9:95,107,107, C>T on the plus strand (G>A on the coding strand, the complement: FANCC is on the minus strand). VCF-style: chr9-95107107-C-T. GRCh37 (hg19) VCF-style: chr9-97869389-C-T.
Other names: c.1492G>A, p.Ala498Thr (NM_001243743.2); short protein forms A498T.
Identifiers: ClinVar variation 421207 (VCV000421207.2), dbSNP rs1064794977, ClinGen allele CA16618875.
Genomic context (GRCh38, chr9:95,107,107, plus strand): 5'-GGACCACAGGGAGACTTACCAGGGTGATGACATCCCAGGCGATCGTGTGGCCTCCAGGAG[C>T]CCAGAGCAGGAAGTTGAGGAGAAGGTGCCTGATCAGCTGTTGTGCAGGAGCTCTGAGGTC-3'
Protein context (NP_000127.2, residues 488-508): RHLLLNFLLW[Ala498Thr]PGGHTIAWDV